The following is an entry in ClinVar:

NM_000891.3(KCNJ2):c.1006TAC[1] (p.Tyr337del)

Gene: KCNJ2 (potassium inwardly rectifying channel subfamily J member 2; plus strand). Cytogenetic location: 17q24.3.
Variant type: Microsatellite.
Coding change: c.1006TAC[1] on transcript NM_000891.3 (MANE Select); one copy of the 3-base unit TAC starting at c.1006; the reference has two copies in a row; one copy, 3 bases deleted.
Protein change: p.Tyr337del; deletes tyrosine 337.
Molecular consequence: inframe deletion.
Genome position (GRCh38, 1-based): chr17:70,176,048-70,176,050, TAC deleted; deleting any 3 consecutive bases within chr17:70,176,043-70,176,050 gives the same sequence; the position shown is the placement nearest the transcript's 3' end. VCF-style (leftmost placement, unchanged base first): chr17-70176042-CACT-C. GRCh37 (hg19) VCF-style: chr17-68172183-CACT-C.
Other names: c.1009_1011delTAC (NM_000891.2); short protein forms Y337del.
Identifiers: ClinVar variation 504008 (VCV000504008.2), dbSNP rs1555604002, ClinGen allele CA658798967.

ClinVar aggregate classification (germline): Uncertain significance (1 of 4 stars; one submission).

Submission:

GeneDx
Classification: Uncertain significance. Last evaluated: 2018-01-12. Review status: criteria provided, single submitter. Criteria: GeneDx Variant Classification (06012015). Collection method: clinical testing. Allele origin: germline. Affected: yes.
Comment: The c.1009_1011delTAC variant in the KCNJ2 gene has not been reported previously as a pathogenic variant nor as a benign variant, to our knowledge. The c.1009_1011delTAC variant causes an in-frame deletion of one amino acid, Tyrosine 337, denoted p.Tyr337del. In-silico analyses, including protein predictors and evolutionary conservation, support a deleterious effect. The c.1009_1011delTAC variant is not observed at a significant frequency in large population cohorts (Lek et al., 2016). We interpret c.1009_1011delTAC as a variant of uncertain significance.